The following is an entry in ClinVar:

NM_001283009.2(RTEL1):c.3796C>G (p.Gln1266Glu)

Genes: RTEL1 (regulator of telomere elongation helicase 1; plus strand), RTEL1-TNFRSF6B (RTEL1-TNFRSF6B readthrough (NMD candidate); plus strand). Cytogenetic location: 20q13.33.
Variant type: single nucleotide variant.
Coding change: c.3796C>G on transcript NM_001283009.2 (MANE Select); coding-DNA position 3796, C replaced by G.
Protein change: p.Gln1266Glu; replaces glutamine 1266 with glutamic acid.
Molecular consequence: missense variant. On other transcripts: non-coding transcript variant (1), intron variant (3).
Genome position (GRCh38, 1-based): chr20:63,695,624, C>G. VCF-style: chr20-63695624-C-G. GRCh37 (hg19) VCF-style: chr20-62326977-C-G.
Other names: c.2983+144C>G (NM_001283010.1); c.3724+144C>G (NM_032957.5); c.3652+144C>G (NM_016434.4); short protein forms Q1266E.
Identifiers: ClinVar variation 3948265 (VCV003948265.1).

ClinVar aggregate classification (germline): Uncertain significance (1 of 4 stars; one submission).

Conditions:
Inborn genetic diseases. Identifiers: MedGen C0950123, MeSH D030342.

gnomAD v4.1: 1 of 1,611,708 alleles (0.000062%); highest among the groups gnomAD compares: Admixed American, 0.0017%; no homozygotes.

Submission:

Ambry Genetics
Classification: Uncertain significance for Inborn genetic diseases. Last evaluated: 2025-03-29. Review status: criteria provided, single submitter. Criteria: Ambry Variant Classification Scheme 2023. Collection method: clinical testing. Allele origin: germline.
Comment: The p.Q1266E variant (also known as c.3796C>G), located in coding exon 33 of the RTEL1 gene, results from a C to G substitution at nucleotide position 3796. The glutamine at codon 1266 is replaced by glutamic acid, an amino acid with highly similar properties. This amino acid position is conserved. In addition, this alteration is predicted to be tolerated by in silico analysis. Based on the available evidence, the clinical significance of this variant remains unclear.